The following is an entry in ClinVar:

ClinVar aggregate classification (germline): Benign/Likely benign. Review status: criteria provided, multiple submitters, no conflicts (2 of 4 stars). 5 submissions from 5 submitters: Benign (1); Likely benign (4). Last evaluated 2026-01-20.

Conditions:
Hereditary cancer-predisposing syndrome. Also called: Hereditary neoplastic syndrome; Neoplastic Syndromes, Hereditary; Tumor predisposition; Hereditary Cancer Syndrome. Identifiers: Orphanet 140162, MedGen C0027672, MeSH D009386, MONDO:0015356.
Familial cancer of breast. Also called: BREAST CANCER, FAMILIAL; Hereditary breast cancer; hereditary breast carcinoma. Identifiers: Orphanet 227535, MedGen C0346153, MONDO:0016419, OMIM 114480. Disease mechanism: loss of function.

Allele frequency attached by ClinVar (database versions not stated): gnomAD exomes below 0.00001; ExAC 0.00001; 1000 Genomes Project 30x 0.00016; 1000 Genomes Project 0.00020.

Submissions (5):

Labcorp Genetics (formerly Invitae), Labcorp
Classification: Likely benign for Familial cancer of breast. Last evaluated: 2026-01-20. Review status: criteria provided, single submitter. Criteria: Invitae Variant Classification Sherloc (09022015). Collection method: clinical testing. Allele origin: germline.

Myriad Genetics, Inc.
Classification: Benign for Familial cancer of breast. Last evaluated: 2024-07-26. Review status: criteria provided, single submitter. Criteria: Myriad Autosomal Dominant, Autosomal Recessive and X-Linked Classification Criteria (2023). Collection method: clinical testing. Allele origin: unknown.
Comment: This variant is considered benign. This variant is a silent/synonymous amino acid change and it is not expected to impact splicing.

Sema4
Classification: Likely benign for Hereditary cancer-predisposing syndrome. Last evaluated: 2022-03-16. Review status: criteria provided, single submitter. Criteria: Sema4 Curation Guidelines. Collection method: curation. Allele origin: germline.

Ambry Genetics
Classification: Likely benign for Hereditary cancer-predisposing syndrome. Last evaluated: 2020-04-09. Review status: criteria provided, single submitter. Criteria: Ambry Variant Classification Scheme 2023. Collection method: clinical testing. Allele origin: germline.

Color Diagnostics, LLC DBA Color Health
Classification: Likely benign for Hereditary cancer-predisposing syndrome. Last evaluated: 2017-06-22. Review status: criteria provided, single submitter. Criteria: ACMG Guidelines, 2015. Collection method: clinical testing. Allele origin: germline.

NM_000465.4(BARD1):c.1587G>A (p.Arg529=)

Gene: BARD1 (BRCA1 associated RING domain 1; minus strand). Cytogenetic location: 2q35.
Variant type: single nucleotide variant.
Coding change: c.1587G>A on transcript NM_000465.4 (MANE Select); coding-DNA position 1587, G replaced by A.
Protein change: p.Arg529=; no amino-acid change (arginine 529 retained).
Molecular consequence: synonymous variant. On other transcripts: non-coding transcript variant (3), intron variant (1).
Genome position (GRCh38, 1-based): chr2:214,752,537, C>T on the plus strand (G>A on the coding strand, the complement: BARD1 is on the minus strand). VCF-style: chr2-214752537-C-T. GRCh37 (hg19) VCF-style: chr2-215617261-C-T.
Other names: c.1530G>A, p.Arg510= (NM_001282543.2); c.234G>A, p.Arg78= (NM_001282545.2); c.177G>A, p.Arg59= (NM_001282548.2); c.365-22029G>A (NM_001282549.2).
Identifiers: ClinVar variation 184366 (VCV000184366.18), dbSNP rs532444144, ClinGen allele CA188753.
Genomic context (GRCh38, chr2:214,752,537, plus strand): 5'-ATTCTTCTCTGGTAGCAGCAATAGCGATTTCATACTTTCATCATCTGTATAATCGACAGG[C>T]CGCAGACCAAATATATTACTGGTAAAATAAGTGCAGATGTGTTTAAGTAAGTCAAATGTG-3'
Protein context (NP_000456.2, residues 519-539): SRNAVNIFGL[Arg529=]PVDYTDDESM